The following is an entry in ClinVar:

ClinVar aggregate classification (germline): Conflicting classifications of pathogenicity. Review status: criteria provided, conflicting classifications (1 of 4 stars). 6 submissions from 6 submitters: Uncertain significance (4); Likely benign (2). Last evaluated 2026-02-17.

Conditions:
Long QT syndrome (LQTS). Identifiers: MedGen C0023976, MeSH D008133, MONDO:0002442. Disease mechanism: loss of function. Inheritance: Various modes of inheritance.
Cardiac arrhythmia, ankyrin-B-related. Also called: ANKYRIN-B SYNDROME. Identifiers: Orphanet 101016, Orphanet 768, MedGen C1970119, MONDO:0010958, OMIM 600919.
Cardiovascular phenotype. Identifiers: MedGen CN230736.

Allele frequency attached by ClinVar (database versions not stated): TOPMed 0.00002; ExAC 0.00004.
gnomAD v4.1: 32 of 1,614,088 alleles (0.002%); highest among the groups gnomAD compares: East Asian, 0.0045%; no homozygotes.

Submissions (6):

Women's Health and Genetics/Laboratory Corporation of America, LabCorp
Classification: Likely benign. Last evaluated: 2026-02-17. Review status: criteria provided, single submitter. Criteria: LabCorp Variant Classification Summary - May 2015. Collection method: clinical testing. Allele origin: germline.
Comment: Variant summary: ANK2 c.8140G>A (p.Val2714Ile) results in a conservative amino acid change in the encoded protein sequence. Algorithms developed to predict the effect of missense changes on protein structure and function all suggest that this variant is likely to be tolerated. The variant allele was found at a frequency of 4e-05 in 250710 control chromosomes. The observed variant frequency exceeds the estimated maximal expected allele frequency for disease-causing variants in ANK2. To our knowledge, no occurrence of c.8140G>A in individuals affected with ANK2-related conditions and no experimental evidence demonstrating its impact on protein function have been reported. The following publication has been ascertained in the context of this evaluation (PMID: 33813136). ClinVar contains an entry for this variant (Variation ID: 389821). Based on the evidence outlined above, the variant was classified as likely benign.

Labcorp Genetics (formerly Invitae), Labcorp
Classification: Uncertain significance for Long QT syndrome. Last evaluated: 2025-02-28. Review status: criteria provided, single submitter. Criteria: Invitae Variant Classification Sherloc (09022015). Collection method: clinical testing. Allele origin: germline.
Comment: This sequence change replaces valine, which is neutral and non-polar, with isoleucine, which is neutral and non-polar, at codon 2714 of the ANK2 protein (p.Val2714Ile). This variant is present in population databases (rs753223319, gnomAD 0.03%). This variant has not been reported in the literature in individuals affected with ANK2-related conditions. ClinVar contains an entry for this variant (Variation ID: 389821). An algorithm developed to predict the effect of missense changes on protein structure and function outputs the following: PolyPhen-2: "Benign". The isoleucine amino acid residue is found in multiple mammalian species, which suggests that this missense change does not adversely affect protein function. In summary, the available evidence is currently insufficient to determine the role of this variant in disease. Therefore, it has been classified as a Variant of Uncertain Significance.

Ambry Genetics
Classification: Likely benign for Cardiovascular phenotype. Last evaluated: 2023-03-01. Review status: criteria provided, single submitter. Criteria: Ambry Variant Classification Scheme 2023. Collection method: clinical testing. Allele origin: germline.

Fulgent Genetics
Classification: Uncertain significance for Cardiac arrhythmia, ankyrin-B-related. Last evaluated: 2021-12-27. Review status: criteria provided, single submitter. Criteria: ACMG Guidelines, 2015. Collection method: clinical testing. Allele origin: unknown.

New York Genome Center
Classification: Uncertain significance. Last evaluated: 2020-06-18. Review status: criteria provided, single submitter. Criteria: NYGC Assertion Criteria 2020. Collection method: clinical testing. Allele origin: inherited. Affected: yes. Observed: 1 heterozygote. Study: CSER-NYCKidSeq.

GeneDx
Classification: Uncertain significance. Last evaluated: 2016-10-07. Review status: criteria provided, single submitter. Criteria: GeneDx Variant Classification (06012015). Collection method: clinical testing. Allele origin: germline. Affected: yes.
Comment: The V2714I novel variant of uncertain significance in the ANK2 gene has not been published as a pathogenic or benign variant to our knowledge. This variant was not observed in approximately 6,500 individuals of European and African American ancestry in the NHLBI Exome Sequencing Project, indicating it is not a common benign variant in these populations. The V2714I variant is a conservative amino acid substitution, which is not likely to impact secondary protein structure as these residues share similar properties. This substitution also occurs at a position that is not conserved, and I2714 is present in at least one species. Although in silico analysis is inconsistent in its predictions, the majority of in silico tools predict the V2714I variant likely does not alter the protein structure/function. Therefore, based on the currently available information, it is unclear whether this variant is pathogenic or rare benign.

Literature cited by the submitters: PubMed 33813136 (cited by Women's Health and Genetics/Laboratory Corporation of America, LabCorp).

NM_001148.6(ANK2):c.8140G>A (p.Val2714Ile)

Gene: ANK2 (ankyrin 2; plus strand). Cytogenetic location: 4q26.
Variant type: single nucleotide variant.
Coding change: c.8140G>A on transcript NM_001148.6 (MANE Select); coding-DNA position 8140, G replaced by A.
Protein change: p.Val2714Ile; replaces valine 2714 with isoleucine.
Molecular consequence: missense variant. On other transcripts: intron variant (68).
Genome position (GRCh38, 1-based): chr4:113,356,758, G>A. VCF-style: chr4-113356758-G-A. GRCh37 (hg19) VCF-style: chr4-114277914-G-A.
Other names: c.7906G>A, p.Val2636Ile (NM_001386142.1); c.4540G>A, p.Val1514Ile (NM_001386166.1); c.8281G>A, p.Val2761Ile (NM_001386174.1); c.8257G>A, p.Val2753Ile (NM_001386175.1); c.4412-4065G>A (NM_001386186.2, NM_001386148.2); c.4214-4065G>A (NM_001354269.3); c.4292-4065G>A (NM_001386187.2); c.4253-4065G>A (NM_001386147.1); and 35 more; short protein forms V2714I, V1514I, V2636I, V2753I, V2761I.
Identifiers: ClinVar variation 389821 (VCV000389821.12), dbSNP rs753223319, ClinGen allele CA3051720.